The following is an entry in ClinVar:

NM_003742.4(ABCB11):c.3538A>G (p.Thr1180Ala)

Gene: ABCB11 (ATP binding cassette subfamily B member 11; minus strand). Cytogenetic location: 2q31.1.
Variant type: single nucleotide variant.
Coding change: c.3538A>G on transcript NM_003742.4 (MANE Select); coding-DNA position 3538, A replaced by G.
Protein change: p.Thr1180Ala; replaces threonine 1180 with alanine.
Molecular consequence: missense variant.
Genome position (GRCh38, 1-based): chr2:168,927,236, T>C on the plus strand (A>G on the coding strand, the complement: ABCB11 is on the minus strand). VCF-style: chr2-168927236-T-C. GRCh37 (hg19) VCF-style: chr2-169783746-T-C.
Other names: short protein forms T1180A.
Identifiers: ClinVar variation 4846186 (VCV004846186.1).
Genomic context (GRCh38, chr2:168,927,236, plus strand): 5'-AATCATGCAGCTGAGCCTGTTTTGCAGCTGCTATGACTCTTTCCATGGGAATTTCTTTGG[T>C]GTTGTCTCCATACTTGATATTGTCCATTATGCTACAGGCAAACAACACTGGTTCCTGGGA-3'
Protein context (NP_003733.2, residues 1170-1190): IMDNIKYGDN[Thr1180Ala]KEIPMERVIA

ClinVar aggregate classification (germline): Uncertain significance (1 of 4 stars; one submission).

Conditions:
Familial intrahepatic cholestasis. Identifiers: Orphanet 284385, MedGen CN296401, MONDO:0017290.

gnomAD v4.1: 4 of 1,613,858 alleles (0.00025%); highest among the groups gnomAD compares: South Asian, 0.0044%; no homozygotes.

Submission:

Genomenon, Inc
Classification: Uncertain significance for Familial intrahepatic cholestasis. Last evaluated: 2026-04-14. Review status: criteria provided, single submitter. Criteria: Genomenon Sequence Variant Interpretation Standards - Updated. Collection method: curation. Allele origin: germline. Affected: no.
Comment: ABCB11 p.Thr1180Ala (c.3538A>G) is a missense variant that changes the amino acid at residue 1180 from Threonine to Alanine. This variant has been reported in the published literature (PMID:37208429). It is absent or not present at a significant frequency in gnomAD. In conclusion, we classify ABCB11 p.Thr1180Ala (c.3538A>G) as a variant of uncertain significance.

Literature cited by the submitters: PubMed 37208429.